The following is an entry in ClinVar:

ClinVar aggregate classification (germline): Likely benign. Review status: criteria provided, multiple submitters, no conflicts (2 of 4 stars). 3 submissions from 3 submitters: Likely benign (3). Last evaluated 2026-09-01.

Allele frequency attached by ClinVar (database versions not stated): ESP Exome Variant Server 0.00015; gnomAD 0.00015; 1000 Genomes Project 30x 0.00031; gnomAD exomes 0.00006; TOPMed 0.00013.
gnomAD v4.1: 128 of 1,611,690 alleles (0.0079%); highest among the groups gnomAD compares: Middle Eastern, 0.099%; no homozygotes.

Submissions (3):

CeGaT Center for Human Genetics Tuebingen
Classification: Likely benign. Last evaluated: 2026-09-01. Review status: criteria provided, single submitter. Criteria: CeGaT Center For Human Genetics Tuebingen Variant Classification Criteria Version 2. Collection method: clinical testing. Allele origin: germline. Affected: yes. Observed: 3 variant alleles.
Comment: DDX11: BP4, BP7

Labcorp Genetics (formerly Invitae), Labcorp
Classification: Likely benign. Last evaluated: 2025-12-11. Review status: criteria provided, single submitter. Criteria: Invitae Variant Classification Sherloc (09022015). Collection method: clinical testing. Allele origin: germline.

Blueprint Genetics
Classification: Likely benign. Last evaluated: 2024-10-08. Review status: criteria provided, single submitter. Criteria: ACMG Guidelines, 2015. Collection method: clinical testing. Allele origin: germline.

NM_030653.4(DDX11):c.1221C>T (p.Ser407=)

Gene: DDX11 (DEAD/H-box helicase 11; plus strand). Cytogenetic location: 12p11.21.
Variant type: single nucleotide variant.
Coding change: c.1221C>T on transcript NM_030653.4 (MANE Select); coding-DNA position 1221, C replaced by T.
Protein change: p.Ser407=; no amino-acid change (serine 407 retained).
Molecular consequence: synonymous variant. On other transcripts: non-coding transcript variant (4).
Genome position (GRCh38, 1-based): chr12:31,091,850, C>T. VCF-style: chr12-31091850-C-T. GRCh37 (hg19) VCF-style: chr12-31244784-C-T.
Other names: c.1221C>T, p.Ser407= (NM_001257144.2, NM_001413692.1, NM_001413693.1 and 5 more transcripts); c.1143C>T, p.Ser381= (NM_001257145.2, NM_001413697.1, NM_001413698.1 and 1 more transcripts); c.1134C>T, p.Ser378= (NM_001413700.1); c.693C>T, p.Ser231= (NM_001413702.1, NM_001413703.1); c.360C>T, p.Ser120= (NM_001413704.1, NM_001413705.1); c.255C>T, p.Ser85= (NM_001413706.1).
Identifiers: ClinVar variation 2642819 (VCV002642819.26), dbSNP rs138190731, ClinGen allele CA6501136.